The following is an entry in ClinVar:

ClinVar aggregate classification (germline): Uncertain significance (1 of 4 stars; one submission).

Conditions:
Methylmalonic acidemia with homocystinuria, type cblX (MAHCX). Also called: INTELLECTUAL DEVELOPMENTAL DISORDER, X-LINKED 3. Identifiers: Orphanet 369962, MedGen C0796208, MONDO:0010657, OMIM 309541.

Submission:

Labcorp Genetics (formerly Invitae), Labcorp
Classification: Uncertain significance for Methylmalonic acidemia with homocystinuria, type cblX. Last evaluated: 2022-09-06. Review status: criteria provided, single submitter. Criteria: Invitae Variant Classification Sherloc (09022015). Collection method: clinical testing. Allele origin: germline.
Comment: This sequence change replaces glycine, which is neutral and non-polar, with arginine, which is basic and polar, at codon 1404 of the HCFC1 protein (p.Gly1404Arg). This variant is not present in population databases (gnomAD no frequency). This variant has not been reported in the literature in individuals affected with HCFC1-related conditions. ClinVar contains an entry for this variant (Variation ID: 1503234). Algorithms developed to predict the effect of missense changes on protein structure and function are either unavailable or do not agree on the potential impact of this missense change (SIFT: "Deleterious"; PolyPhen-2: "Benign"; Align-GVGD: "Class C0"). In summary, the available evidence is currently insufficient to determine the role of this variant in disease. Therefore, it has been classified as a Variant of Uncertain Significance.

NM_005334.3(HCFC1):c.4210G>C (p.Gly1404Arg)

Gene: HCFC1 (host cell factor C1; minus strand). Cytogenetic location: Xq28.
Variant type: single nucleotide variant.
Coding change: c.4210G>C on transcript NM_005334.3 (MANE Select); coding-DNA position 4210, G replaced by C.
Protein change: p.Gly1404Arg; replaces glycine 1404 with arginine.
Molecular consequence: missense variant.
Genome position (GRCh38, 1-based): chrX:153,954,189, C>G on the plus strand (G>C on the coding strand, the complement: HCFC1 is on the minus strand). VCF-style: chrX-153954189-C-G. GRCh37 (hg19) VCF-style: chrX-153219640-C-G.
Other names: short protein forms G1404R.
Identifiers: ClinVar variation 1503234 (VCV001503234.3), dbSNP rs2148569217, ClinGen allele CA415116600.